The following is an entry in ClinVar:

NM_014425.5(INVS):c.536A>T (p.Asp179Val)

Gene: INVS (inversin; plus strand). Cytogenetic location: 9q31.1.
Variant type: single nucleotide variant.
Coding change: c.536A>T on transcript NM_014425.5 (MANE Select); coding-DNA position 536, A replaced by T.
Protein change: p.Asp179Val; replaces aspartic acid 179 with valine.
Molecular consequence: missense variant. On other transcripts: 5 prime UTR variant (1), non-coding transcript variant (1).
Genome position (GRCh38, 1-based): chr9:100,229,748, A>T. VCF-style: chr9-100229748-A-T. GRCh37 (hg19) VCF-style: chr9-102992030-A-T.
Other names: c.248A>T, p.Asp83Val (NM_001318381.2); c.-454A>T (NM_001318382.2); short protein forms D179V, D83V.
Identifiers: ClinVar variation 1994525 (VCV001994525.4), dbSNP rs745712880, ClinGen allele CA5158186.

ClinVar aggregate classification (germline): Uncertain significance (1 of 4 stars; one submission).

Conditions:
Nephronophthisis. Also called: Juvenile Nephronophthisis. Identifiers: Orphanet 655, MedGen C0687120, MONDO:0019005, HP:0000090.

Allele frequency attached by ClinVar (database versions not stated): ExAC 0.00001; gnomAD 0.00001; TOPMed 0.00001.
gnomAD v4.1: 6 of 1,613,988 alleles (0.00037%); highest among the groups gnomAD compares: Non-Finnish European, 0.00051%; no homozygotes.

Submission:

Labcorp Genetics (formerly Invitae), Labcorp
Classification: Uncertain significance for Nephronophthisis. Last evaluated: 2022-05-15. Review status: criteria provided, single submitter. Criteria: Invitae Variant Classification Sherloc (09022015). Collection method: clinical testing. Allele origin: germline.
Comment: In summary, the available evidence is currently insufficient to determine the role of this variant in disease. Therefore, it has been classified as a Variant of Uncertain Significance. This sequence change replaces aspartic acid, which is acidic and polar, with valine, which is neutral and non-polar, at codon 179 of the INVS protein (p.Asp179Val). This variant is present in population databases (rs745712880, gnomAD 0.0009%). This variant has not been reported in the literature in individuals affected with INVS-related conditions. Algorithms developed to predict the effect of missense changes on protein structure and function are either unavailable or do not agree on the potential impact of this missense change (SIFT: "Deleterious"; PolyPhen-2: "Probably Damaging"; Align-GVGD: "Class C15").